The following is an entry in ClinVar:

ClinVar aggregate classification (germline): Conflicting classifications of pathogenicity. Review status: criteria provided, conflicting classifications (1 of 4 stars). 11 submissions from 10 submitters: Uncertain significance (1); Benign (8); Likely benign (1). 1 of the submissions does not count toward it. Last evaluated 2026-02-04.

Conditions:
Maturity-onset diabetes of the young (MODY). Also called: Maturity onset diabetes mellitus in young. Identifiers: Orphanet 552, MedGen C0342276, MONDO:0018911, HP:0004904.
Maturity-onset diabetes of the young type 3. Also called: MODY type 3; MODY, type III. Identifiers: Orphanet 552, MedGen C1838100, MeSH C563933, MONDO:0010894, OMIM 600496. Disease mechanism: loss of function.
Insulin-resistant diabetes mellitus. Identifiers: MedGen C0854110, HP:0000831.
Nonpapillary renal cell carcinoma. Identifiers: Orphanet 422526, MedGen CN074294, MONDO:0007763, OMIM 144700.

Allele frequency attached by ClinVar (database versions not stated): 1000 Genomes Project 30x 0.06199; 1000 Genomes Project 0.06290; TOPMed 0.12191; gnomAD 0.13864; ESP Exome Variant Server 0.14065.

Submissions (11):

Labcorp Genetics (formerly Invitae), Labcorp
Classification: Benign. Last evaluated: 2026-02-04. Review status: criteria provided, single submitter. Criteria: Invitae Variant Classification Sherloc (09022015). Collection method: clinical testing. Allele origin: germline.

KCCC/NGS Laboratory, Kuwait Cancer Control Center
Classification: Benign for Maturity-onset diabetes of the young type 3. Last evaluated: 2025-02-01. Review status: criteria provided, single submitter. Criteria: ACMG Guidelines, 2015. Collection method: clinical testing. Allele origin: germline. Affected: no.

Blueprint Genetics
Classification: Likely benign. Last evaluated: 2024-11-27. Review status: criteria provided, single submitter. Criteria: ACMG Guidelines, 2015. Collection method: clinical testing. Allele origin: germline.

KCCC/NGS Laboratory, Kuwait Cancer Control Center
Classification: Benign for Nonpapillary renal cell carcinoma. Last evaluated: 2023-07-07. Review status: criteria provided, single submitter. Criteria: ACMG Guidelines, 2015. Collection method: clinical testing. Allele origin: germline. Affected: yes.

Illumina Laboratory Services, Illumina
Classification: Benign for Maturity-onset diabetes of the young type 3. Last evaluated: 2018-01-12. Review status: criteria provided, single submitter. Criteria: ICSL Variant Classification Criteria 13 December 2019. Collection method: clinical testing. Allele origin: germline.
Comment: This variant was observed in the ICSL laboratory as part of a predisposition screen in an ostensibly healthy population. It had not been previously curated by ICSL or reported in the Human Gene Mutation Database (HGMD: prior to June 1st, 2018), and was therefore a candidate for classification through an automated scoring system. Utilizing variant allele frequency, disease prevalence and penetrance estimates, and inheritance mode, an automated score was calculated to assess if this variant is too frequent to cause the disease. Based on the score and internal cut-off values, a variant classified as benign is not then subjected to further curation. The score for this variant resulted in a classification of benign for this disease.

Athena Diagnostics
Classification: Benign. Last evaluated: 2017-07-12. Review status: criteria provided, single submitter. Criteria: Athena Diagnostics Criteria. Collection method: clinical testing. Allele origin: germline.

Ambry Genetics
Classification: Benign for Maturity-onset diabetes of the young. Last evaluated: 2014-12-08. Review status: criteria provided, single submitter. Criteria: Ambry Variant Classification Scheme 2023. Collection method: clinical testing. Allele origin: germline.

GeneDx
Classification: Benign. Last evaluated: 2013-11-19. Review status: criteria provided, single submitter. Criteria: GeneDx Variant Classification (06012015). Collection method: clinical testing. Allele origin: germline. Affected: yes.
Comment: This variant is considered likely benign or benign based on one or more of the following criteria: it is a conservative change, it occurs at a poorly conserved position in the protein, it is predicted to be benign by multiple in silico algorithms, and/or has population frequency not consistent with disease.

Clinical Genomics, Uppaluri K&H Personalized Medicine Clinic
Classification: Uncertain significance for Insulin-resistant diabetes mellitus. Review status: criteria provided, single submitter. Criteria: K&H Uppaluri Personalized Medicine Clinic Variant Classification & Assertion Criteria. Collection method: research. Allele origin: somatic. Inheritance: Autosomal dominant inheritance.
Comment: Mutations in HNF1A gene can predispose to MODY3. It is associated with both micro and macrovascular complications of diabetes, especially cardiovascular complications. Associated with glucosuria and response to sulfonylureas. However, there is insufficient evidence that rs55834942 plays a role in MODY and or micro and macro vascular complications of Diabetes Mellitus and needs further clinical evaluation.

PreventionGenetics, part of Exact Sciences
Classification: Benign. Review status: criteria provided, single submitter. Criteria: ACMG Guidelines, 2015. Collection method: clinical testing. Allele origin: germline.

Genetic Services Laboratory, University of Chicago
Classification: Likely benign for AllHighlyPenetrant. Review status: no assertion criteria provided. Collection method: clinical testing. Allele origin: germline. Inheritance: Autosomal dominant inheritance. Not counted in ClinVar's aggregate classification.
Comment: Likely benign based on allele frequency in 1000 Genomes Project or ESP global frequency and its presence in a patient with a rare or unrelated disease phenotype. NOT Sanger confirmed.

Literature cited by the submitters: PubMed 10634407 (cited by Athena Diagnostics); PubMed 12627330 (cited by Athena Diagnostics); PubMed 15928245 (cited by Athena Diagnostics); PubMed 16963153 (cited by Athena Diagnostics); PubMed 17440016 (cited by Athena Diagnostics); PubMed 17573900 (cited by Athena Diagnostics); PubMed 17937063 (cited by Athena Diagnostics); PubMed 8945470 (cited by Athena Diagnostics); PubMed 9112026 (cited by Athena Diagnostics); PubMed 9604876 (cited by Athena Diagnostics); PubMed 19672314 (cited by Clinical Genomics, Uppaluri K&H Personalized Medicine Clinic).

NM_000545.8(HNF1A):c.1545G>A (p.Thr515=)

Gene: HNF1A (HNF1 homeobox A; plus strand). Cytogenetic location: 12q24.31.
Variant type: single nucleotide variant.
Coding change: c.1545G>A on transcript NM_000545.8 (MANE Select); coding-DNA position 1545, G replaced by A.
Protein change: p.Thr515=; no amino-acid change (threonine 515 retained).
Molecular consequence: synonymous variant.
Genome position (GRCh38, 1-based): chr12:120,999,311, G>A. VCF-style: chr12-120999311-G-A. GRCh37 (hg19) VCF-style: chr12-121437114-G-A.
Other names: p.T515T:ACG>ACA; c.1545G>A (NM_000545.6); c.1545G>A, p.Thr515= (NM_001306179.2).
Identifiers: ClinVar variation 129232 (VCV000129232.24), dbSNP rs55834942, ClinGen allele CA153091.